The following is an entry in ClinVar:

NM_013266.4(CTNNA3):c.1470A>G (p.Ile490Met)

Gene: CTNNA3 (catenin alpha 3; minus strand). Cytogenetic location: 10q21.3.
Variant type: single nucleotide variant.
Coding change: c.1470A>G on transcript NM_013266.4 (MANE Select); coding-DNA position 1470, A replaced by G.
Protein change: p.Ile490Met; replaces isoleucine 490 with methionine.
Molecular consequence: missense variant.
Genome position (GRCh38, 1-based): chr10:66,520,678, T>C on the plus strand (A>G on the coding strand, the complement: CTNNA3 is on the minus strand). VCF-style: chr10-66520678-T-C. GRCh37 (hg19) VCF-style: chr10-68280436-T-C.
Other names: c.1470A>G, p.Ile490Met (NM_001127384.3); short protein forms I490M.
Identifiers: ClinVar variation 4708417 (VCV004708417.1).

ClinVar aggregate classification (germline): Uncertain significance (1 of 4 stars; one submission).

Conditions:
Arrhythmogenic right ventricular dysplasia 13. Also called: ARRHYTHMOGENIC RIGHT VENTRICULAR CARDIOMYOPATHY 13; Arrhythmogenic right ventricular dysplasia, familial, 13. Identifiers: MedGen C3810138, MONDO:0000908, OMIM 615616.

gnomAD v4.1: 2 of 1,611,744 alleles (0.00012%); highest among the groups gnomAD compares: East Asian, 0.0045%; no homozygotes.

Submission:

Labcorp Genetics (formerly Invitae), Labcorp
Classification: Uncertain significance for Arrhythmogenic right ventricular dysplasia 13. Last evaluated: 2025-05-12. Review status: criteria provided, single submitter. Criteria: Invitae Variant Classification Sherloc (09022015). Collection method: clinical testing. Allele origin: germline.
Comment: This sequence change replaces isoleucine, which is neutral and non-polar, with methionine, which is neutral and non-polar, at codon 490 of the CTNNA3 protein (p.Ile490Met). This variant is present in population databases (rs757015764, gnomAD 0.01%). This variant has not been reported in the literature in individuals affected with CTNNA3-related conditions. Invitae Evidence Modeling of protein sequence and biophysical properties (such as structural, functional, and spatial information, amino acid conservation, physicochemical variation, residue mobility, and thermodynamic stability) indicates that this missense variant is not expected to disrupt CTNNA3 protein function with a negative predictive value of 80%. In summary, the available evidence is currently insufficient to determine the role of this variant in disease. Therefore, it has been classified as a Variant of Uncertain Significance.